The following is an entry in ClinVar:

ClinVar aggregate classification (germline): Uncertain significance (1 of 4 stars; one submission).

gnomAD v4.1: 1 of 1,591,770 alleles (0.000063%); highest among the groups gnomAD compares: East Asian, 0.0023%; no homozygotes.

Submission:

Labcorp Genetics (formerly Invitae), Labcorp
Classification: Uncertain significance. Last evaluated: 2024-02-08. Review status: criteria provided, single submitter. Criteria: Invitae Variant Classification Sherloc (09022015). Collection method: clinical testing. Allele origin: germline.
Comment: This sequence change falls in intron 14 of the NAA15 gene. It does not directly change the encoded amino acid sequence of the NAA15 protein. It affects a nucleotide within the consensus splice site. This variant is not present in population databases (gnomAD no frequency). This variant has not been reported in the literature in individuals affected with NAA15-related conditions. Variants that disrupt the consensus splice site are a relatively common cause of aberrant splicing (PMID: 17576681, 9536098). Algorithms developed to predict the effect of sequence changes on RNA splicing suggest that this variant is not likely to affect RNA splicing. In summary, the available evidence is currently insufficient to determine the role of this variant in disease. Therefore, it has been classified as a Variant of Uncertain Significance.

Literature cited by the submitters: PubMed 17576681; PubMed 9536098.

NM_057175.5(NAA15):c.1753+5A>C

Gene: NAA15 (N-alpha-acetyltransferase 15, NatA auxiliary subunit; plus strand). Cytogenetic location: 4q31.1.
Variant type: single nucleotide variant.
Coding change: c.1753+5A>C on transcript NM_057175.5 (MANE Select); 5 bases into the intron after coding-DNA position 1753, A replaced by C.
Molecular consequence: intron variant.
Genome position (GRCh38, 1-based): chr4:139,361,942, A>C. VCF-style: chr4-139361942-A-C. GRCh37 (hg19) VCF-style: chr4-140283096-A-C.
Other names: c.1753+5A>C (NM_001410842.1).
Identifiers: ClinVar variation 2699318 (VCV002699318.3), dbSNP rs368147138, ClinGen allele CA2672127054.